The following is an entry in ClinVar:

NM_005219.5(DIAPH1):c.3424C>T (p.Arg1142Trp)

Gene: DIAPH1 (diaphanous related formin 1; minus strand). Cytogenetic location: 5q31.3.
Variant type: single nucleotide variant.
Coding change: c.3424C>T on transcript NM_005219.5 (MANE Select); coding-DNA position 3424, C replaced by T.
Protein change: p.Arg1142Trp; replaces arginine 1142 with tryptophan.
Molecular consequence: missense variant.
Genome position (GRCh38, 1-based): chr5:141,526,311, G>A on the plus strand (C>T on the coding strand, the complement: DIAPH1 is on the minus strand). VCF-style: chr5-141526311-G-A. GRCh37 (hg19) VCF-style: chr5-140905878-G-A.
Other names: c.3397C>T, p.Arg1133Trp (NM_001079812.3); c.3424C>T, p.Arg1142Trp (NM_001314007.2); short protein forms R1133W, R1142W.
Identifiers: ClinVar variation 1311374 (VCV001311374.6), dbSNP rs1353583066, ClinGen allele CA361578157.

ClinVar aggregate classification (germline): Uncertain significance. Review status: criteria provided, multiple submitters, no conflicts (2 of 4 stars). 2 submissions from 2 submitters: Uncertain significance (2). Last evaluated 2025-06-18.

Conditions:
Progressive microcephaly-seizures-cortical blindness-developmental delay syndrome. Also called: Seizures, cortical blindness, and microcephaly syndrome. Identifiers: Orphanet 477814, MedGen C5567650, MONDO:0014714, OMIM 616632.
Autosomal dominant nonsyndromic hearing loss 1. Also called: DEAFNESS, AUTOSOMAL DOMINANT 1, WITH OR WITHOUT THROMBOCYTOPENIA; KONIGSMARK SYNDROME. Identifiers: Orphanet 90635, MedGen C1852282, MONDO:0007424, OMIM 124900.

Allele frequency attached by ClinVar (database versions not stated): gnomAD exomes below 0.00001.
gnomAD v4.1: 3 of 1,614,132 alleles (0.00019%); highest among the groups gnomAD compares: Non-Finnish European, 0.00025%; no homozygotes.

Submissions (2):

Labcorp Genetics (formerly Invitae), Labcorp
Classification: Uncertain significance for Progressive microcephaly-seizures-cortical blindness-developmental delay syndrome; Autosomal dominant nonsyndromic hearing loss 1. Last evaluated: 2025-06-18. Review status: criteria provided, single submitter. Criteria: Invitae Variant Classification Sherloc (09022015). Collection method: clinical testing. Allele origin: germline.
Comment: This sequence change replaces arginine, which is basic and polar, with tryptophan, which is neutral and slightly polar, at codon 1142 of the DIAPH1 protein (p.Arg1142Trp). This variant is present in population databases (no rsID available, gnomAD 0.0009%). This variant has not been reported in the literature in individuals affected with DIAPH1-related conditions. ClinVar contains an entry for this variant (Variation ID: 1311374). An algorithm developed to predict the effect of missense changes on protein structure and function (PolyPhen-2) suggests that this variant is likely to be disruptive. In summary, the available evidence is currently insufficient to determine the role of this variant in disease. Therefore, it has been classified as a Variant of Uncertain Significance.

GeneDx
Classification: Uncertain significance. Last evaluated: 2020-01-29. Review status: criteria provided, single submitter. Criteria: GeneDx Variant Classification Process June 2021. Collection method: clinical testing. Allele origin: germline. Affected: yes.
Comment: In silico analysis, which includes protein predictors and evolutionary conservation, supports a deleterious effect; Has not been previously published as pathogenic or benign to our knowledge